The following is an entry in ClinVar:

NM_016203.4(PRKAG2):c.1098A>G (p.Pro366=)

Gene: PRKAG2 (protein kinase AMP-activated non-catalytic subunit gamma 2; minus strand). Cytogenetic location: 7q36.1.
Variant type: single nucleotide variant.
Coding change: c.1098A>G on transcript NM_016203.4 (MANE Select); coding-DNA position 1098, A replaced by G.
Protein change: p.Pro366=; no amino-acid change (proline 366 retained).
Molecular consequence: synonymous variant.
Genome position (GRCh38, 1-based): chr7:151,570,179, T>C on the plus strand (A>G on the coding strand, the complement: PRKAG2 is on the minus strand). VCF-style: chr7-151570179-T-C. GRCh37 (hg19) VCF-style: chr7-151267265-T-C.
Other names: p.Pro366=; c.966A>G, p.Pro322= (NM_001040633.2); c.723A>G, p.Pro241= (NM_001304527.2); c.375A>G, p.Pro125= (NM_001304531.2, NM_024429.2); c.726A>G, p.Pro242= (NM_001363698.2).
Identifiers: ClinVar variation 45686 (VCV000045686.39), dbSNP rs116541276, ClinGen allele CA013555.

ClinVar aggregate classification (germline): Conflicting classifications of pathogenicity. Review status: criteria provided, conflicting classifications (1 of 4 stars). 15 submissions from 14 submitters: Uncertain significance (1); Benign (8); Likely benign (5). 1 of the submissions does not count toward it. Last evaluated 2026-02-03.

Conditions:
Cardiovascular phenotype. Identifiers: MedGen CN230736.
Cardiomyopathy (CMYO). Also called: Cardiomyopathies. Identifiers: Orphanet 167848, MedGen C0878544, MONDO:0004994, HP:0001638. Inheritance: Various modes of inheritance.
Lethal congenital glycogen storage disease of heart. Also called: GLYCOGEN STORAGE DISEASE OF HEART; PHOSPHORYLASE KINASE DEFICIENCY OF HEART. Identifiers: Orphanet 439854, MedGen C1849813, MONDO:0009867, OMIM 261740.
Hypertrophic cardiomyopathy 6. Identifiers: MedGen C1833236, MONDO:0010946, OMIM 600858.
Wolff-Parkinson-White pattern. Also called: WPW SYNDROME; Auriculoventricular accessory pathway syndrome; False bundle branch block syndrome; Anomalous ventricular excitation syndrome. Identifiers: MONDO:0008685, OMIM 194200, HP:0001716, MedGen C0043202.
Hypertrophic cardiomyopathy. Also called: HYPERTROPHIC MYOCARDIOPATHY. Identifiers: Orphanet 217569, MedGen C0007194, MeSH D002312, MONDO:0005045, HP:0001639.

Allele frequency attached by ClinVar (database versions not stated): gnomAD exomes 0.00015 and 0.00042; ExAC 0.00055; gnomAD 0.00167 and 0.00169; 1000 Genomes Project 0.00180; 1000 Genomes Project 30x 0.00187; TOPMed 0.00209; ESP Exome Variant Server 0.00216.
gnomAD v4.1: 479 of 1,600,920 alleles (0.03%); highest among the groups gnomAD compares: African/African-American, 0.59%; 2 homozygotes.

Submissions (15):

Labcorp Genetics (formerly Invitae), Labcorp
Classification: Benign for Lethal congenital glycogen storage disease of heart. Last evaluated: 2026-02-03. Review status: criteria provided, single submitter. Criteria: Invitae Variant Classification Sherloc (09022015). Collection method: clinical testing. Allele origin: germline.

Mayo Clinic Laboratories, Mayo Clinic
Classification: Likely benign. Last evaluated: 2025-08-20. Review status: criteria provided, single submitter. Criteria: ACMG Guidelines, 2015. Collection method: clinical testing. Allele origin: germline. Observed: 6 variant alleles.
Comment: BS1, BP4, BP7

Blueprint Genetics
Classification: Likely benign. Last evaluated: 2024-11-11. Review status: criteria provided, single submitter. Criteria: ACMG Guidelines, 2015. Collection method: clinical testing. Allele origin: germline.

All of Us Research Program, National Institutes of Health
Classification: Benign for Hypertrophic cardiomyopathy. Last evaluated: 2024-02-05. Review status: criteria provided, single submitter. Criteria: ACMG Guidelines, 2015. Collection method: clinical testing. Allele origin: germline. Inheritance: Autosomal dominant inheritance. Observed: 104 variant alleles, 103 heterozygotes, 1 homozygote.
Comment: This study involves interpretation of variants in research participants for the purpose of population health screening. Participant phenotype was not available at the time of variant classification. Additional details can be found in publication PMID: 35346344, PMCID: PMC8962531

ARUP Laboratories, Molecular Genetics and Genomics, ARUP Laboratories
Classification: Benign. Last evaluated: 2023-11-29. Review status: criteria provided, single submitter. Criteria: ARUP Molecular Germline Variant Investigation Process 2024. Collection method: clinical testing. Allele origin: germline.

Color Diagnostics, LLC DBA Color Health
Classification: Benign for Cardiomyopathy. Last evaluated: 2018-11-22. Review status: criteria provided, single submitter. Criteria: ACMG Guidelines, 2015. Collection method: clinical testing. Allele origin: germline.

Illumina Laboratory Services, Illumina
Classification: Likely benign for Hypertrophic cardiomyopathy 6. Last evaluated: 2018-01-12. Review status: criteria provided, single submitter. Criteria: ICSL Variant Classification Criteria 13 December 2019. Collection method: clinical testing. Allele origin: germline.
Comment: This variant was observed in the ICSL laboratory as part of a predisposition screen in an ostensibly healthy population. It had not been previously curated by ICSL or reported in the Human Gene Mutation Database (HGMD: prior to June 1st, 2018), and was therefore a candidate for classification through an automated scoring system. Utilizing variant allele frequency, disease prevalence and penetrance estimates, and inheritance mode, an automated score was calculated to assess if this variant is too frequent to cause the disease. Based on the score and internal cut-off values, a variant classified as likely benign is not then subjected to further curation. The score for this variant resulted in a classification of likely benign for this disease.

Illumina Laboratory Services, Illumina
Classification: Likely benign for Wolff-Parkinson-White pattern. Last evaluated: 2018-01-12. Review status: criteria provided, single submitter. Criteria: ICSL Variant Classification Criteria 13 December 2019. Collection method: clinical testing. Allele origin: germline.
Comment: the same text as in the submission from Illumina Laboratory Services, Illumina above.

CHEO Genetics Diagnostic Laboratory, Children's Hospital of Eastern Ontario
Classification: Benign for Cardiomyopathy. Last evaluated: 2017-11-03. Review status: criteria provided, single submitter. Criteria: ACMG Guidelines, 2015. Collection method: clinical testing. Allele origin: germline.

Ambry Genetics
Classification: Likely benign for Cardiovascular phenotype. Last evaluated: 2016-03-15. Review status: criteria provided, single submitter. Criteria: Ambry Variant Classification Scheme 2023. Collection method: clinical testing. Allele origin: germline.

GeneDx
Classification: Benign. Last evaluated: 2015-03-03. Review status: criteria provided, single submitter. Criteria: GeneDx Variant Classification Process June 2021. Collection method: clinical testing. Allele origin: germline. Affected: yes.

Eurofins Ntd Llc (ga)
Classification: Uncertain significance. Last evaluated: 2014-07-10. Review status: criteria provided, single submitter. Criteria: EGL Classification Definitions 2015. Collection method: clinical testing. Allele origin: germline. Observed: 1 variant allele, 1 heterozygote.

Laboratory for Molecular Medicine, Mass General Brigham Personalized Medicine
Classification: Benign. Last evaluated: 2013-01-13. Review status: criteria provided, single submitter. Criteria: LMM Criteria. Collection method: clinical testing. Allele origin: germline. Observed: 5 variant alleles.
Comment: Pro366Pro in exon 10 of PRKAG2: This variant is not expected to have clinical si gnificance because it does not alter an amino acid residue, is not located withi n the splice consensus sequence and has been identified in 0.6% (28/4396) of Afr ican American chromosomes from a broad population by the NHLBI Exome Sequencing Project (dbSNP rs116541276).

PreventionGenetics, part of Exact Sciences
Classification: Benign. Review status: criteria provided, single submitter. Criteria: ACMG Guidelines, 2015. Collection method: clinical testing. Allele origin: germline.

Cohesion Phenomics
Classification: Benign for Cardiomyopathy. Last evaluated: 2022-09-29. Review status: no assertion criteria provided. Criteria: ACMG Guidelines, 2015. Collection method: clinical testing. Allele origin: germline. Affected: yes. Not counted in ClinVar's aggregate classification.